The following is an entry in ClinVar:

ClinVar aggregate classification (germline): Uncertain significance (1 of 4 stars; one submission).

Conditions:
Encephalopathy, acute, infection-induced (herpes-specific), susceptibility to, 1. Also called: Herpes simplex encephalitis, susceptibility to, 1. Identifiers: Orphanet 1930, MedGen C2750180, MONDO:0024563, OMIM 610551.

Submission:

Labcorp Genetics (formerly Invitae), Labcorp
Classification: Uncertain significance for Encephalopathy, acute, infection-induced (herpes-specific), susceptibility to, 1. Last evaluated: 2020-02-27. Review status: criteria provided, single submitter. Criteria: Invitae Variant Classification Sherloc (09022015). Collection method: clinical testing. Allele origin: germline.
Comment: This sequence change replaces leucine with valine at codon 375 of the UNC93B1 protein (p.Leu375Val). The leucine residue is moderately conserved and there is a small physicochemical difference between leucine and valine. The frequency data for this variant in the population databases is considered unreliable, as metrics indicate insufficient coverage at this position in the ExAC database. This variant has not been reported in the literature in individuals with UNC93B1-related conditions. Experimental studies and prediction algorithms are not available or were not evaluated, and the functional significance of this variant is currently unknown. In summary, the available evidence is currently insufficient to determine the role of this variant in disease. Therefore, it has been classified as a Variant of Uncertain Significance.

NM_030930.4(UNC93B1):c.1123C>G (p.Leu375Val)

Gene: UNC93B1 (unc-93B1 regulator of TLR signaling; minus strand). Cytogenetic location: 11q13.2.
Variant type: single nucleotide variant.
Coding change: c.1123C>G on transcript NM_030930.4 (MANE Select); coding-DNA position 1123, C replaced by G.
Protein change: p.Leu375Val; replaces leucine 375 with valine.
Molecular consequence: missense variant.
Genome position (GRCh38, 1-based): chr11:67,995,851, G>C on the plus strand (C>G on the coding strand, the complement: UNC93B1 is on the minus strand). VCF-style: chr11-67995851-G-C. GRCh37 (hg19) VCF-style: chr11-67763322-G-C.
Other names: short protein forms L375V.
Identifiers: ClinVar variation 1042755 (VCV001042755.7), dbSNP rs1856935745, ClinGen allele CA381571110.